The following is an entry in ClinVar:

ClinVar aggregate classification (germline): Uncertain significance (1 of 4 stars; one submission).

Conditions:
Developmental and epileptic encephalopathy, 12 (DEE12). Identifiers: MedGen C3150988, MONDO:0013389, OMIM 613722.

Allele frequency attached by ClinVar (database versions not stated): gnomAD exomes 0.00001; TOPMed 0.00002; gnomAD 0.00003.
gnomAD v4.1: 20 of 1,613,744 alleles (0.0012%); highest among the groups gnomAD compares: East Asian, 0.0022%; no homozygotes.

Submission:

Labcorp Genetics (formerly Invitae), Labcorp
Classification: Uncertain significance for Early infantile epileptic encephalopathy 12. Last evaluated: 2019-08-21. Review status: criteria provided, single submitter. Criteria: Invitae Variant Classification Sherloc (09022015). Collection method: clinical testing. Allele origin: germline.
Comment: This sequence change replaces arginine with cysteine at codon 101 of the PLCB1 protein (p.Arg101Cys). The arginine residue is highly conserved and there is a large physicochemical difference between arginine and cysteine. This variant is not present in population databases (ExAC no frequency). This variant has not been reported in the literature in individuals with PLCB1-related conditions. Algorithms developed to predict the effect of missense changes on protein structure and function are either unavailable or do not agree on the potential impact of this missense change (SIFT: "Deleterious"; PolyPhen-2: "Benign"; Align-GVGD: "Class C55"). In summary, the available evidence is currently insufficient to determine the role of this variant in disease. Therefore, it has been classified as a Variant of Uncertain Significance.

NM_015192.4(PLCB1):c.301C>T (p.Arg101Cys)

Gene: PLCB1 (phospholipase C beta 1; plus strand). Cytogenetic location: 20p12.3.
Variant type: single nucleotide variant.
Coding change: c.301C>T on transcript NM_015192.4 (MANE Select); coding-DNA position 301, C replaced by T.
Protein change: p.Arg101Cys; replaces arginine 101 with cysteine.
Molecular consequence: missense variant.
Genome position (GRCh38, 1-based): chr20:8,628,348, C>T. VCF-style: chr20-8628348-C-T. GRCh37 (hg19) VCF-style: chr20-8608995-C-T.
Other names: c.301C>T, p.Arg101Cys (NM_182734.3); short protein forms R101C.
Identifiers: ClinVar variation 946793 (VCV000946793.1), dbSNP rs868772684, ClinGen allele CA311672842.